The following is an entry in ClinVar:

NM_201378.4(PLEC):c.58G>A (p.Glu20Lys)

Gene: PLEC (plectin; minus strand). Cytogenetic location: 8q24.3.
Variant type: single nucleotide variant.
Coding change: c.58G>A on transcript NM_201378.4 (MANE Plus Clinical); coding-DNA position 58, G replaced by A.
Protein change: p.Glu20Lys; replaces glutamic acid 20 with lysine.
Molecular consequence: missense variant. On other transcripts: intron variant (2).
Genome position (GRCh38, 1-based): chr8:143,973,415, C>T on the plus strand (G>A on the coding strand, the complement: PLEC is on the minus strand). VCF-style: chr8-143973415-C-T. GRCh37 (hg19) VCF-style: chr8-145047583-C-T.
Other names: c.193+1762G>A (NM_001410941.1, NM_000445.5); short protein forms E20K.
Identifiers: ClinVar variation 2934141 (VCV002934141.3), dbSNP rs1554744942, ClinGen allele CA372487985.
Genomic context (GRCh38, chr8:143,973,415, plus strand): 5'-CTGGGCTGTCAGGAGCGGCCCGACAGGCAGCGGGACGGGGGGCCGTACCTTTGTACTTCT[C>T]GCGCACCTCCTCGTAGGCCTGGATGAAGTCCTGCTCGTCGGGCAGCGGGCCGGCCATGCC-3'
Protein context (NP_958780.1, residues 10-30): DFIQAYEEVR[Glu20Lys]KYKDERDRVQ

ClinVar aggregate classification (germline): Uncertain significance (1 of 4 stars; one submission).

Conditions:
Epidermolysis bullosa simplex with nail dystrophy (EBS5D). Identifiers: MedGen C4225309, MONDO:0014661, OMIM 616487.
Epidermolysis bullosa simplex, Ogna type (EBS5A). Also called: Pidermolysis bullosa simplex 5A, Ogna type; EPIDERMOLYSIS BULLOSA SIMPLEX 5A, OGNA TYPE. Identifiers: Orphanet 79401, MedGen C0432317, MONDO:0007555, OMIM 131950.
Autosomal recessive limb-girdle muscular dystrophy type 2Q (LGMDR17). Also called: MUSCULAR DYSTROPHY, LIMB-GIRDLE, AUTOSOMAL RECESSIVE 17. Identifiers: Orphanet 254361, MedGen C3150989, MONDO:0013390, OMIM 613723.
Epidermolysis bullosa simplex 5B, with muscular dystrophy (EBS5B). Also called: Epidermolysis bullosa simplex with muscular dystrophy; EPIDERMOLYSIS BULLOSA SIMPLEX AND LIMB-GIRDLE MUSCULAR DYSTROPHY. Identifiers: Orphanet 257, MedGen C2931072, MONDO:0009181, OMIM 226670.
Epidermolysis bullosa simplex 5C, with pyloric atresia (EBS5C). Also called: PLEC-Related Epidermolysis Bullosa with Pyloric Atresia; Epidermolysis bullosa simplex with pyloric atresia; PLEC1-Related Epidermolysis Bullosa with Pyloric Atresia. Identifiers: Orphanet 158684, MedGen C2677349, MONDO:0012807, OMIM 612138.

Allele frequency attached by ClinVar (database versions not stated): TOPMed 0.00001.
gnomAD v4.1: 2 of 1,554,902 alleles (0.00013%); highest among the groups gnomAD compares: Non-Finnish European, 0.00017%; no homozygotes.

Submission:

Labcorp Genetics (formerly Invitae), Labcorp
Classification: Uncertain significance for Autosomal recessive limb-girdle muscular dystrophy type 2Q; Epidermolysis bullosa simplex, Ogna type; Epidermolysis bullosa simplex with nail dystrophy; Epidermolysis bullosa simplex 5C, with pyloric atresia; Epidermolysis bullosa simplex 5B, with muscular dystrophy. Last evaluated: 2023-11-24. Review status: criteria provided, single submitter. Criteria: Invitae Variant Classification Sherloc (09022015). Collection method: clinical testing. Allele origin: germline.
Comment: The PLEC gene has multiple clinically relevant transcripts. This variant occurs in alternate transcript NM_201378.3, and corresponds to NM_000445.4:c.193+1762G>A in the primary transcript. This sequence change replaces glutamic acid, which is acidic and polar, with lysine, which is basic and polar, at codon 20 of the PLEC protein (p.Glu20Lys). The frequency data for this variant in the population databases is considered unreliable, as metrics indicate poor data quality at this position in the gnomAD database. This variant has not been reported in the literature in individuals affected with PLEC-related conditions. Algorithms developed to predict the effect of sequence changes on RNA splicing suggest that this variant is not likely to affect RNA splicing. In summary, the available evidence is currently insufficient to determine the role of this variant in disease. Therefore, it has been classified as a Variant of Uncertain Significance.